The following is an entry in ClinVar:

ClinVar aggregate classification (germline): Uncertain significance (1 of 4 stars; one submission).

gnomAD v4.1: 1 of 1,547,978 alleles (0.000065%); highest among the groups gnomAD compares: Admixed American, 0.002%; no homozygotes.

Submission:

Labcorp Genetics (formerly Invitae), Labcorp
Classification: Uncertain significance. Last evaluated: 2022-03-04. Review status: criteria provided, single submitter. Criteria: Invitae Variant Classification Sherloc (09022015). Collection method: clinical testing. Allele origin: germline.
Comment: In summary, the available evidence is currently insufficient to determine the role of this variant in disease. Therefore, it has been classified as a Variant of Uncertain Significance. Advanced modeling of protein sequence and biophysical properties (such as structural, functional, and spatial information, amino acid conservation, physicochemical variation, residue mobility, and thermodynamic stability) performed at Invitae indicates that this missense variant is not expected to disrupt MYO7A protein function. This variant has not been reported in the literature in individuals affected with MYO7A-related conditions. This variant is not present in population databases (gnomAD no frequency). This sequence change replaces proline, which is neutral and non-polar, with alanine, which is neutral and non-polar, at codon 1726 of the MYO7A protein (p.Pro1726Ala).

NM_000260.4(MYO7A):c.5176C>G (p.Pro1726Ala)

Gene: MYO7A (myosin VIIA; plus strand). Cytogenetic location: 11q13.5.
Variant type: single nucleotide variant.
Coding change: c.5176C>G on transcript NM_000260.4 (MANE Select); coding-DNA position 5176, C replaced by G.
Protein change: p.Pro1726Ala; replaces proline 1726 with alanine.
Molecular consequence: missense variant.
Genome position (GRCh38, 1-based): chr11:77,203,067, C>G. VCF-style: chr11-77203067-C-G. GRCh37 (hg19) VCF-style: chr11-76914112-C-G.
Other names: c.5062C>G, p.Pro1688Ala (NM_001127180.2); c.5029C>G, p.Pro1677Ala (NM_001369365.1); short protein forms P1677A, P1688A, P1726A.
Identifiers: ClinVar variation 2417996 (VCV002417996.6), dbSNP rs1565469008, ClinGen allele CA381951986.